The following is an entry in ClinVar:

ClinVar aggregate classification (germline): Likely benign (0 of 4 stars; one submission).

Conditions:
MC3R-related disorder. Also called: MC3R-related condition.

gnomAD v4.1: 2 of 1,614,068 alleles (0.00012%); highest among the groups gnomAD compares: African/African-American, 0.0027%; no homozygotes.

Submission:

PreventionGenetics, part of Exact Sciences
Classification: Likely benign for MC3R-related condition. Last evaluated: 2024-06-13. Review status: no assertion criteria provided. Collection method: clinical testing. Allele origin: germline.
Comment: This variant is classified as likely benign based on ACMG/AMP sequence variant interpretation guidelines (Richards et al. 2015 PMID: 25741868, with internal and published modifications).

NM_019888.3(MC3R):c.72T>C (p.Pro24=)

Gene: MC3R (melanocortin 3 receptor; plus strand). Cytogenetic location: 20q13.2.
Variant type: single nucleotide variant.
Coding change: c.72T>C on transcript NM_019888.3 (MANE Select); coding-DNA position 72, T replaced by C.
Protein change: p.Pro24=; no amino-acid change (proline 24 retained).
Molecular consequence: synonymous variant.
Genome position (GRCh38, 1-based): chr20:56,248,915, T>C. VCF-style: chr20-56248915-T-C. GRCh37 (hg19) VCF-style: chr20-54823971-T-C.
Identifiers: ClinVar variation 3347449 (VCV003347449.1).